The following is an entry in ClinVar:

NM_001369268.1(ACAN):c.835C>T (p.Arg279Trp)

Gene: ACAN (aggrecan; plus strand). Cytogenetic location: 15q26.1.
Variant type: single nucleotide variant.
Coding change: c.835C>T on transcript NM_001369268.1 (MANE Select); coding-DNA position 835, C replaced by T.
Protein change: p.Arg279Trp; replaces arginine 279 with tryptophan.
Molecular consequence: missense variant.
Genome position (GRCh38, 1-based): chr15:88,843,432, C>T. VCF-style: chr15-88843432-C-T. GRCh37 (hg19) VCF-style: chr15-89386663-C-T.
Other names: c.835C>T, p.Arg279Trp (NM_001135.4, NM_013227.4); short protein forms R279W.
Identifiers: ClinVar variation 1429141 (VCV001429141.8), dbSNP rs745766545, ClinGen allele CA7719379.
Genomic context (GRCh38, chr15:88,843,432, plus strand): 5'-ACATCTCCAGAGAAGTTCACCTTCCAGGAAGCAGCCAATGAGTGCCGGCGGCTGGGTGCC[C>T]GGCTGGCCACCACGGGCCAGCTCTACCTGGCCTGGCAGGCTGGCATGGACATGTGCAGCG-3'
Protein context (NP_001356197.1, residues 269-289): AANECRRLGA[Arg279Trp]LATTGQLYLA

ClinVar aggregate classification (germline): Uncertain significance (1 of 4 stars; one submission).

Allele frequency attached by ClinVar (database versions not stated): gnomAD 0.00002; gnomAD exomes 0.00002 and 0.00004; TOPMed 0.00002; ExAC 0.00005.
gnomAD v4.1: 61 of 1,608,094 alleles (0.0038%); highest among the groups gnomAD compares: Middle Eastern, 0.016%; no homozygotes.

Submission:

Labcorp Genetics (formerly Invitae), Labcorp
Classification: Uncertain significance. Last evaluated: 2025-03-05. Review status: criteria provided, single submitter. Criteria: Invitae Variant Classification Sherloc (09022015). Collection method: clinical testing. Allele origin: germline.
Comment: This sequence change replaces arginine, which is basic and polar, with tryptophan, which is neutral and slightly polar, at codon 279 of the ACAN protein (p.Arg279Trp). This variant is present in population databases (rs745766545, gnomAD 0.007%). This variant has not been reported in the literature in individuals affected with ACAN-related conditions. ClinVar contains an entry for this variant (Variation ID: 1429141). Invitae Evidence Modeling of protein sequence and biophysical properties (such as structural, functional, and spatial information, amino acid conservation, physicochemical variation, residue mobility, and thermodynamic stability) indicates that this missense variant is not expected to disrupt ACAN protein function with a negative predictive value of 80%. In summary, the available evidence is currently insufficient to determine the role of this variant in disease. Therefore, it has been classified as a Variant of Uncertain Significance.